The following is an entry in ClinVar:

ClinVar aggregate classification (germline): Pathogenic/Likely pathogenic. Review status: criteria provided, multiple submitters, no conflicts (2 of 4 stars). 2 submissions from 2 submitters: Pathogenic (1); Likely pathogenic (1). Last evaluated 2024-03-11.

Conditions:
X-linked myopathy with postural muscle atrophy. Also called: FHL1-Related Emery-Dreifuss Muscular Dystrophy, X-Linked. Identifiers: Orphanet 178461, MedGen C2678055, MONDO:0010401, OMIM 300696.
Myopathy, reducing body, X-linked, early-onset, severe (RBMX1A). Also called: REDUCING BODY MYOPATHY, X-LINKED 1, SEVERE, WITH INFANTILE OR EARLY CHILDHOOD ONSET. Identifiers: Orphanet 97239, MedGen C4225423, MONDO:0010414, OMIM 300717.
Uruguay Faciocardiomusculoskeletal syndrome. Identifiers: MedGen C1846010, MONDO:0010292, OMIM 300280.
Myopathy, reducing body, X-linked, childhood-onset (RBMX1B). Also called: REDUCING BODY MYOPATHY, X-LINKED 1B, WITH LATE CHILDHOOD OR ADULT ONSET. Identifiers: Orphanet 97239, MedGen C4225159, MONDO:0010415, OMIM 300718.
X-linked scapuloperoneal muscular dystrophy. Also called: SCAPULOPERONEAL MYOPATHY, FHL1-RELATED. Identifiers: MONDO:0010400, OMIM 300695, Orphanet 431272, MedGen C2678061.

Submissions (2):

Labcorp Genetics (formerly Invitae), Labcorp
Classification: Pathogenic for X-linked myopathy with postural muscle atrophy. Last evaluated: 2024-03-11. Review status: criteria provided, single submitter. Criteria: Invitae Variant Classification Sherloc (09022015). Collection method: clinical testing. Allele origin: germline.
Comment: This sequence change replaces cysteine, which is neutral and slightly polar, with arginine, which is basic and polar, at codon 150 of the FHL1 protein (p.Cys150Arg). This variant is not present in population databases (gnomAD no frequency). This missense change has been observed in individuals with myofibrillar myopathy and/or reducing body myopathy (PMID: 20571991, 31273321, 31803991, 32001145). It has also been observed to segregate with disease in related individuals. ClinVar contains an entry for this variant (Variation ID: 689729). An algorithm developed to predict the effect of missense changes on protein structure and function (PolyPhen-2) suggests that this variant is likely to be disruptive. This variant disrupts the p.Cys150 amino acid residue in FHL1. Other variant(s) that disrupt this residue have been determined to be pathogenic (PMID: 19171836; Invitae). This suggests that this residue is clinically significant, and that variants that disrupt this residue are likely to be disease-causing. For these reasons, this variant has been classified as Pathogenic.

Baylor Genetics
Classification: Likely pathogenic for Uruguay Faciocardiomusculoskeletal syndrome; X-linked myopathy with postural muscle atrophy; Myopathy, reducing body, X-linked, early-onset, severe; Myopathy, reducing body, X-linked, childhood-onset; X-linked scapuloperoneal muscular dystrophy. Last evaluated: 2018-10-12. Review status: criteria provided, single submitter. Criteria: ACMG Guidelines, 2015. Collection method: clinical testing. Allele origin: germline. Affected: yes.

Literature cited by the submitters: PubMed 20571991 (cited by Labcorp Genetics (formerly Invitae), Labcorp); PubMed 31273321 (cited by Labcorp Genetics (formerly Invitae), Labcorp); PubMed 31803991 (cited by Labcorp Genetics (formerly Invitae), Labcorp); PubMed 32001145 (cited by Labcorp Genetics (formerly Invitae), Labcorp); PubMed 19171836 (cited by Labcorp Genetics (formerly Invitae), Labcorp).

NM_001159699.2(FHL1):c.496T>C (p.Cys166Arg)

Gene: FHL1 (four and a half LIM domains 1; plus strand). Cytogenetic location: Xq26.3.
Variant type: single nucleotide variant.
Coding change: c.496T>C on transcript NM_001159699.2 (MANE Select); coding-DNA position 496, T replaced by C.
Protein change: p.Cys166Arg; replaces cysteine 166 with arginine.
Molecular consequence: missense variant. On other transcripts: non-coding transcript variant (1).
Genome position (GRCh38, 1-based): chrX:136,207,908, T>C. VCF-style: chrX-136207908-T-C. GRCh37 (hg19) VCF-style: chrX-135290067-T-C.
Other names: c.448T>C, p.Cys150Arg (NM_001159700.2, NM_001159702.3, NM_001159703.2 and 9 more transcripts); c.535T>C, p.Cys179Arg (NM_001159701.2); c.496T>C, p.Cys166Arg (NM_001330659.2); short protein forms C179R, C150R, C166R.
Identifiers: ClinVar variation 689729 (VCV000689729.7), dbSNP rs1603271659, ClinGen allele CA414608553.